The following is an entry in ClinVar:

NM_004360.5(CDH1):c.1202C>G (p.Ala401Gly)

Gene: CDH1 (cadherin 1; plus strand). Cytogenetic location: 16q22.1.
Variant type: single nucleotide variant.
Coding change: c.1202C>G on transcript NM_004360.5 (MANE Select); coding-DNA position 1202, C replaced by G.
Protein change: p.Ala401Gly; replaces alanine 401 with glycine.
Molecular consequence: missense variant. On other transcripts: 5 prime UTR variant (2), intron variant (1).
Genome position (GRCh38, 1-based): chr16:68,813,377, C>G. VCF-style: chr16-68813377-C-G. GRCh37 (hg19) VCF-style: chr16-68847280-C-G.
Other names: c.-414C>G (NM_001317185.2); c.-618C>G (NM_001317186.2); c.1137+1114C>G (NM_001317184.2); short protein forms A401G.
Identifiers: ClinVar variation 3893838 (VCV003893838.1).

ClinVar aggregate classification (germline): Uncertain significance (1 of 4 stars; one submission).

Conditions:
Hereditary cancer-predisposing syndrome. Also called: Neoplastic Syndromes, Hereditary; Tumor predisposition; Hereditary Cancer Syndrome; Hereditary neoplastic syndrome. Identifiers: Orphanet 140162, MedGen C0027672, MeSH D009386, MONDO:0015356.

gnomAD v4.1: 2 of 1,614,154 alleles (0.00012%); highest among the groups gnomAD compares: Non-Finnish European, 0.000085%; no homozygotes.

Submission:

Color Diagnostics, LLC DBA Color Health
Classification: Uncertain significance for Hereditary cancer-predisposing syndrome. Last evaluated: 2024-11-25. Review status: criteria provided, single submitter. Criteria: ACMG Guidelines, 2015. Collection method: clinical testing. Allele origin: germline.
Comment: This missense variant replaces alanine with glycine at codon 401 of the CDH1 protein. To our knowledge, functional studies have not been reported for this variant. This variant has not been reported in individuals affected with CDH1-related disorders in the literature. This variant has not been identified in the general population by the Genome Aggregation Database (gnomAD). The available evidence is insufficient to determine the role of this variant in disease conclusively. Therefore, this variant is classified as a Variant of Uncertain Significance.